The following is an entry in ClinVar:

ClinVar aggregate classification (germline): Conflicting classifications of pathogenicity. Review status: criteria provided, conflicting classifications (1 of 4 stars). 2 submissions from 2 submitters: Uncertain significance (1); Likely benign (1). Last evaluated 2024-10-01.

Conditions:
Inborn genetic diseases. Identifiers: MedGen C0950123, MeSH D030342.

Allele frequency attached by ClinVar (database versions not stated): ExAC 0.00007; gnomAD 0.00014; 1000 Genomes Project 30x 0.00016; 1000 Genomes Project 0.00020.
gnomAD v4.1: 245 of 1,614,196 alleles (0.015%); highest among the groups gnomAD compares: East Asian, 0.033%; no homozygotes.

Submissions (2):

CeGaT Center for Human Genetics Tuebingen
Classification: Likely benign. Last evaluated: 2024-10-01. Review status: criteria provided, single submitter. Criteria: CeGaT Center For Human Genetics Tuebingen Variant Classification Criteria Version 2. Collection method: clinical testing. Allele origin: germline. Affected: yes. Observed: 1 variant allele.
Comment: SRRM2: BP4, BS2

Ambry Genetics
Classification: Uncertain significance for Inborn genetic diseases. Last evaluated: 2022-12-19. Review status: criteria provided, single submitter. Criteria: Ambry Variant Classification Scheme 2023. Collection method: clinical testing. Allele origin: germline.

NM_016333.4(SRRM2):c.4043C>T (p.Ser1348Phe)

Gene: SRRM2 (serine/arginine repetitive matrix 2; plus strand). Cytogenetic location: 16p13.3.
Variant type: single nucleotide variant.
Coding change: c.4043C>T on transcript NM_016333.4 (MANE Select); coding-DNA position 4043, C replaced by T.
Protein change: p.Ser1348Phe; replaces serine 1348 with phenylalanine.
Molecular consequence: missense variant.
Genome position (GRCh38, 1-based): chr16:2,764,571, C>T. VCF-style: chr16-2764571-C-T. GRCh37 (hg19) VCF-style: chr16-2814572-C-T.
Other names: short protein forms S1348F.
Identifiers: ClinVar variation 2380858 (VCV002380858.16), dbSNP rs549292154, ClinGen allele CA7848067.